The following is an entry in ClinVar:

NM_006012.4(CLPP):c.368-10C>T

Gene: CLPP (caseinolytic mitochondrial matrix peptidase proteolytic subunit; plus strand). Cytogenetic location: 19p13.3.
Variant type: single nucleotide variant.
Coding change: c.368-10C>T on transcript NM_006012.4 (MANE Select); 10 bases into the intron before coding-DNA position 368, C replaced by T.
Molecular consequence: intron variant.
Genome position (GRCh38, 1-based): chr19:6,364,442, C>T. VCF-style: chr19-6364442-C-T. GRCh37 (hg19) VCF-style: chr19-6364453-C-T.
Other names: p.?.
Identifiers: ClinVar variation 226518 (VCV000226518.17), dbSNP rs8100489, ClinGen allele CA9122903.

ClinVar aggregate classification (germline): Benign. Review status: criteria provided, multiple submitters, no conflicts (2 of 4 stars). 5 submissions from 5 submitters: Benign (5). Last evaluated 2026-01-27.

Allele frequency attached by ClinVar (database versions not stated): gnomAD 0.02035 and 0.01880; TOPMed 0.02104; gnomAD exomes 0.00170 and 0.00418; ExAC 0.00891; 1000 Genomes Project 0.01677; ESP Exome Variant Server 0.02248; 1000 Genomes Project 30x 0.01780.
gnomAD v4.1: 5,433 of 1,601,014 alleles (0.34%); highest among the groups gnomAD compares: African/African-American, 6.6%; 179 homozygotes.

Submissions (5):

Labcorp Genetics (formerly Invitae), Labcorp
Classification: Benign. Last evaluated: 2026-01-27. Review status: criteria provided, single submitter. Criteria: Invitae Variant Classification Sherloc (09022015). Collection method: clinical testing. Allele origin: germline.

Mayo Clinic Laboratories, Mayo Clinic
Classification: Benign. Last evaluated: 2022-05-13. Review status: criteria provided, single submitter. Criteria: ACMG Guidelines, 2015. Collection method: clinical testing. Allele origin: germline. Observed: 24 variant alleles.

Athena Diagnostics
Classification: Benign. Last evaluated: 2018-11-12. Review status: criteria provided, single submitter. Criteria: Athena Diagnostics Criteria. Collection method: clinical testing. Allele origin: germline.

GeneDx
Classification: Benign. Last evaluated: 2017-11-15. Review status: criteria provided, single submitter. Criteria: GeneDx Variant Classification (06012015). Collection method: clinical testing. Allele origin: germline. Affected: yes.
Comment: This variant is considered likely benign or benign based on one or more of the following criteria: it is a conservative change, it occurs at a poorly conserved position in the protein, it is predicted to be benign by multiple in silico algorithms, and/or has population frequency not consistent with disease.

Laboratory for Molecular Medicine, Mass General Brigham Personalized Medicine
Classification: Benign. Last evaluated: 2014-11-24. Review status: criteria provided, single submitter. Criteria: LMM Criteria. Collection method: clinical testing. Allele origin: germline. Observed: 12 variant alleles.
Comment: 368-10C>T in intron 3 of CLPP: This variant is not expected to have clinical sig nificance because it has been identified in 6.6% (290/4398) of African American chromosomes from a broad population by the NHLBI Exome Sequencing Project (dbSNP rs8100489).